The following is an entry in ClinVar:

ClinVar aggregate classification (germline): Likely benign. Review status: criteria provided, multiple submitters, no conflicts (2 of 4 stars). 5 submissions from 5 submitters: Likely benign (5). Last evaluated 2026-04-12.

Conditions:
Multiple self-healing squamous epithelioma (MSSE). Also called: MULTIPLE SELF-HEALING SQUAMOUS EPITHELIOMA, SUSCEPTIBILITY TO. Identifiers: Orphanet 65748, MedGen C0546476, MONDO:0007566, OMIM 132800.
Loeys-Dietz syndrome 1 (LDS1). Also called: FURLONG SYNDROME; TGFBR1-Related Loeys-Dietz Syndrome; AORTIC ANEURYSM, FAMILIAL THORACIC 5. Identifiers: Orphanet 60030, MedGen C4551955, MONDO:0012212, OMIM 609192.
Loeys-Dietz syndrome (LDS). Identifiers: Orphanet 60030, MedGen C2697932, MONDO:0018954.
Familial thoracic aortic aneurysm and aortic dissection (TAAD). Also called: Thoracic aortic aneurysms and dissections. Identifiers: Orphanet 91387, MedGen C4707243, MONDO:0019625.

Allele frequency attached by ClinVar (database versions not stated): gnomAD exomes 0.00001.
gnomAD v4.1: 7 of 1,614,168 alleles (0.00043%); highest among the groups gnomAD compares: Non-Finnish European, 0.00059%; no homozygotes.

Submissions (5):

Ambry Genetics
Classification: Likely benign for Familial thoracic aortic aneurysm and aortic dissection. Last evaluated: 2026-04-12. Review status: criteria provided, single submitter. Criteria: Ambry Variant Classification Scheme 2023. Collection method: clinical testing. Allele origin: germline.

All of Us Research Program, National Institutes of Health
Classification: Likely benign for Loeys-Dietz syndrome. Last evaluated: 2023-06-26. Review status: criteria provided, single submitter. Criteria: ACMG Guidelines, 2015. Collection method: clinical testing. Allele origin: germline. Inheritance: Autosomal dominant inheritance. Observed: 1 variant allele, 1 heterozygote.
Comment: This study involves interpretation of variants in research participants for the purpose of population health screening. Participant phenotype was not available at the time of variant classification. Additional details can be found in publication PMID: 35346344, PMCID: PMC8962531

Fulgent Genetics
Classification: Likely benign for Multiple self-healing squamous epithelioma; Loeys-Dietz syndrome 1. Last evaluated: 2022-04-26. Review status: criteria provided, single submitter. Criteria: ACMG Guidelines, 2015. Collection method: clinical testing. Allele origin: unknown.

Labcorp Genetics (formerly Invitae), Labcorp
Classification: Likely benign for Familial thoracic aortic aneurysm and aortic dissection. Last evaluated: 2021-11-15. Review status: criteria provided, single submitter. Criteria: Invitae Variant Classification Sherloc (09022015). Collection method: clinical testing. Allele origin: germline.

Color Diagnostics, LLC DBA Color Health
Classification: Likely benign for Familial thoracic aortic aneurysm and aortic dissection. Last evaluated: 2019-10-29. Review status: criteria provided, single submitter. Criteria: ACMG Guidelines, 2015. Collection method: clinical testing. Allele origin: germline.

NM_004612.4(TGFBR1):c.529T>C (p.Leu177=)

Gene: TGFBR1 (transforming growth factor beta receptor 1; plus strand). Cytogenetic location: 9q22.33.
Variant type: single nucleotide variant.
Coding change: c.529T>C on transcript NM_004612.4 (MANE Select); coding-DNA position 529, T replaced by C.
Protein change: p.Leu177=; no amino-acid change (leucine 177 retained).
Molecular consequence: synonymous variant. On other transcripts: intron variant (1).
Genome position (GRCh38, 1-based): chr9:99,132,694, T>C. VCF-style: chr9-99132694-T-C. GRCh37 (hg19) VCF-style: chr9-101894976-T-C.
Other names: c.541T>C, p.Leu181= (NM_001306210.2); c.343+3594T>C (NM_001130916.3); c.529T>C (NM_004612.2).
Identifiers: ClinVar variation 919718 (VCV000919718.13), dbSNP rs1827279899, ClinGen allele CA466648142.